The following is an entry in ClinVar:

NM_032119.4(ADGRV1):c.3184A>G (p.Ile1062Val)

Gene: ADGRV1 (adhesion G protein-coupled receptor V1; plus strand). Cytogenetic location: 5q14.3.
Variant type: single nucleotide variant.
Coding change: c.3184A>G on transcript NM_032119.4 (MANE Select); coding-DNA position 3184, A replaced by G.
Protein change: p.Ile1062Val; replaces isoleucine 1062 with valine.
Molecular consequence: missense variant. On other transcripts: non-coding transcript variant (1).
Genome position (GRCh38, 1-based): chr5:90,647,659, A>G. VCF-style: chr5-90647659-A-G. GRCh37 (hg19) VCF-style: chr5-89943476-A-G.
Other names: short protein forms I1062V.
Identifiers: ClinVar variation 1353031 (VCV001353031.3), dbSNP rs1375415155, ClinGen allele CA360393662.

ClinVar aggregate classification (germline): Uncertain significance (1 of 4 stars; one submission).

Submission:

Labcorp Genetics (formerly Invitae), Labcorp
Classification: Uncertain significance. Last evaluated: 2021-11-23. Review status: criteria provided, single submitter. Criteria: Invitae Variant Classification Sherloc (09022015). Collection method: clinical testing. Allele origin: germline.
Comment: This sequence change replaces isoleucine, which is neutral and non-polar, with valine, which is neutral and non-polar, at codon 1062 of the ADGRV1 protein (p.Ile1062Val). This variant is not present in population databases (gnomAD no frequency). This variant has not been reported in the literature in individuals affected with ADGRV1-related conditions. Algorithms developed to predict the effect of missense changes on protein structure and function output the following: SIFT: "Tolerated"; PolyPhen-2: "Benign"; Align-GVGD: "Class C0". The valine amino acid residue is found in multiple mammalian species, which suggests that this missense change does not adversely affect protein function. In summary, the available evidence is currently insufficient to determine the role of this variant in disease. Therefore, it has been classified as a Variant of Uncertain Significance.